The following is an entry in ClinVar:

NM_170606.3(KMT2C):c.13400A>G (p.Lys4467Arg)

Gene: KMT2C (lysine methyltransferase 2C; minus strand). Cytogenetic location: 7q36.1.
Variant type: single nucleotide variant.
Coding change: c.13400A>G on transcript NM_170606.3 (MANE Select); coding-DNA position 13400, A replaced by G.
Protein change: p.Lys4467Arg; replaces lysine 4467 with arginine.
Molecular consequence: missense variant.
Genome position (GRCh38, 1-based): chr7:152,148,527, T>C on the plus strand (A>G on the coding strand, the complement: KMT2C is on the minus strand). VCF-style: chr7-152148527-T-C. GRCh37 (hg19) VCF-style: chr7-151845612-T-C.
Other names: short protein forms K4467R.
Identifiers: ClinVar variation 1309386 (VCV001309386.2), dbSNP rs1563146097, ClinGen allele CA370091255.
Genomic context (GRCh38, chr7:152,148,527, plus strand): 5'-CAAGTGAAGTGATAAATGTTGGTGCATCGAAATCTGTGGCATCCACTAGTGGCACCCGTC[T>C]TGTGACAGAAGACACATTTCATTTGTAGGCCTCTCCTCAGAGCTAGCTCCACATTTATTA-3'
Protein context (NP_733751.2, residues 4457-4477): GLQMKCVFCH[Lys4467Arg]TGATSGCHRF

ClinVar aggregate classification (germline): Uncertain significance (1 of 4 stars; one submission).

Allele frequency attached by ClinVar (database versions not stated): gnomAD exomes below 0.00001 and 0.00001.
gnomAD v4.1: 5 of 1,614,262 alleles (0.00031%); highest among the groups gnomAD compares: Non-Finnish European, 0.00042%; no homozygotes.

Submission:

GeneDx
Classification: Uncertain significance. Last evaluated: 2019-10-17. Review status: criteria provided, single submitter. Criteria: GeneDx Variant Classification Process June 2021. Collection method: clinical testing. Allele origin: germline. Affected: yes.
Comment: In silico analysis, which includes splice predictors and evolutionary conservation, supports a deleterious effect; Has not been previously published as pathogenic or benign to our knowledge